The following is an entry in ClinVar:

ClinVar aggregate classification (germline): Uncertain significance (1 of 4 stars; one submission).

Submission:

GeneDx
Classification: Uncertain significance. Last evaluated: 2024-05-20. Review status: criteria provided, single submitter. Criteria: GeneDx Variant Classification Process June 2021. Collection method: clinical testing. Allele origin: germline. Affected: yes.
Comment: Not observed at significant frequency in large population cohorts (gnomAD); In silico analysis indicates that this missense variant does not alter protein structure/function; Has not been previously published as pathogenic or benign to our knowledge

NM_001375405.1(CEP120):c.952A>C (p.Lys318Gln)

Gene: CEP120 (centrosomal protein 120; minus strand). Cytogenetic location: 5q23.2.
Variant type: single nucleotide variant.
Coding change: c.952A>C on transcript NM_001375405.1 (MANE Select); coding-DNA position 952, A replaced by C.
Protein change: p.Lys318Gln; replaces lysine 318 with glutamine.
Molecular consequence: missense variant. On other transcripts: non-coding transcript variant (1).
Genome position (GRCh38, 1-based): chr5:123,391,196, T>G on the plus strand (A>C on the coding strand, the complement: CEP120 is on the minus strand). VCF-style: chr5-123391196-T-G. GRCh37 (hg19) VCF-style: chr5-122726890-T-G.
Other names: c.874A>C, p.Lys292Gln (NM_001166226.2); c.952A>C, p.Lys318Gln (NM_001375406.1, NM_001375407.1, NM_153223.4); c.379A>C, p.Lys127Gln (NM_001375408.1, NM_001375409.1); short protein forms K127Q, K292Q, K318Q.
Identifiers: ClinVar variation 3381473 (VCV003381473.1).